The following is an entry in ClinVar:

ClinVar aggregate classification (germline): Uncertain significance (1 of 4 stars; one submission).

Conditions:
Severe combined immunodeficiency due to LCK deficiency. Also called: Immunodeficiency 22. Identifiers: Orphanet 280142, MedGen C4014233, MONDO:0014334, OMIM 615758.

Submission:

Labcorp Genetics (formerly Invitae), Labcorp
Classification: Uncertain significance for Severe combined immunodeficiency due to LCK deficiency. Last evaluated: 2021-08-08. Review status: criteria provided, single submitter. Criteria: Invitae Variant Classification Sherloc (09022015). Collection method: clinical testing. Allele origin: germline.
Comment: In summary, the available evidence is currently insufficient to determine the role of this variant in disease. Therefore, it has been classified as a Variant of Uncertain Significance. Algorithms developed to predict the effect of missense changes on protein structure and function (SIFT, PolyPhen-2, Align-GVGD) all suggest that this variant is likely to be disruptive. This variant has not been reported in the literature in individuals affected with LCK-related conditions. This variant is not present in population databases (ExAC no frequency). This sequence change replaces arginine with tryptophan at codon 299 of the LCK protein (p.Arg299Trp). The arginine residue is highly conserved and there is a moderate physicochemical difference between arginine and tryptophan.

NM_005356.5(LCK):c.895C>T (p.Arg299Trp)

Gene: LCK (LCK proto-oncogene, Src family tyrosine kinase; plus strand). Cytogenetic location: 1p35.2.
Variant type: single nucleotide variant.
Coding change: c.895C>T on transcript NM_005356.5 (MANE Select); coding-DNA position 895, C replaced by T.
Protein change: p.Arg299Trp; replaces arginine 299 with tryptophan.
Molecular consequence: missense variant.
Genome position (GRCh38, 1-based): chr1:32,276,717, C>T. VCF-style: chr1-32276717-C-T. GRCh37 (hg19) VCF-style: chr1-32742318-C-T.
Other names: c.895C>T, p.Arg299Trp (NM_001042771.3); c.742C>T, p.Arg248Trp (NM_001330468.2); short protein forms R299W, R248W.
Identifiers: ClinVar variation 1476682 (VCV001476682.6), dbSNP rs1156541922, ClinGen allele CA339639912.
Genomic context (GRCh38, chr1:32,276,717, plus strand): 5'-AGCATGTCCCCGGACGCCTTCCTGGCCGAGGCCAACCTCATGAAGCAGCTGCAACACCAG[C>T]GGCTGGTTCGGCTCTACGCTGTGGTCACCCAGGAGCCCATCTACATCATCACTGAATACA-3'
Protein context (NP_005347.3, residues 289-309): ANLMKQLQHQ[Arg299Trp]LVRLYAVVTQ